The following is an entry in ClinVar:

ClinVar aggregate classification (germline): Uncertain significance (1 of 4 stars; one submission).

Conditions:
Osteogenesis imperfecta type I (OI1). Also called: Lobstein's Disease; Osteogenesis imperfecta type 1; Lobstein disease; Classic Non-deforming Osteogenesis Imperfecta with Blue Sclerae; OI, TYPE I; OSTEOGENESIS IMPERFECTA TARDA. Identifiers: Orphanet 216796, Orphanet 666, MedGen C0023931, MONDO:0008146, OMIM 166200. Disease mechanism: loss of function.

Allele frequency attached by ClinVar (database versions not stated): gnomAD exomes below 0.00001.
gnomAD v4.1: 1 of 1,614,176 alleles (0.000062%); highest among the groups gnomAD compares: East Asian, 0.0022%; no homozygotes.

Submission:

Labcorp Genetics (formerly Invitae), Labcorp
Classification: Uncertain significance for Osteogenesis imperfecta type I. Last evaluated: 2022-10-04. Review status: criteria provided, single submitter. Criteria: Invitae Variant Classification Sherloc (09022015). Collection method: clinical testing. Allele origin: germline.
Comment: This variant is not present in population databases (gnomAD no frequency). This sequence change replaces proline, which is neutral and non-polar, with serine, which is neutral and polar, at codon 1278 of the COL1A1 protein (p.Pro1278Ser). This variant has not been reported in the literature in individuals affected with COL1A1-related conditions. In summary, the available evidence is currently insufficient to determine the role of this variant in disease. Therefore, it has been classified as a Variant of Uncertain Significance. Advanced modeling of protein sequence and biophysical properties (such as structural, functional, and spatial information, amino acid conservation, physicochemical variation, residue mobility, and thermodynamic stability) performed at Invitae indicates that this missense variant is expected to disrupt COL1A1 protein function.

NM_000088.4(COL1A1):c.3832C>T (p.Pro1278Ser)

Gene: COL1A1 (collagen type I alpha 1 chain; minus strand). Cytogenetic location: 17q21.33.
Variant type: single nucleotide variant.
Coding change: c.3832C>T on transcript NM_000088.4 (MANE Select); coding-DNA position 3832, C replaced by T.
Protein change: p.Pro1278Ser; replaces proline 1278 with serine.
Molecular consequence: missense variant.
Genome position (GRCh38, 1-based): chr17:50,186,490, G>A on the plus strand (C>T on the coding strand, the complement: COL1A1 is on the minus strand). VCF-style: chr17-50186490-G-A. GRCh37 (hg19) VCF-style: chr17-48263851-G-A.
Other names: short protein forms P1278S.
Identifiers: ClinVar variation 2420765 (VCV002420765.6), dbSNP rs994102132, ClinGen allele CA291542854.
Genomic context (GRCh38, chr17:50,186,490, plus strand): 5'-TCTCACCAGTCTCCATGTTGCAGAAGACTTTGATGGCATCCAGGTTGCAGCCTTGGTTGG[G>A]GTCAATCCAGTACTCTCCTGTGGTAGGGCAGGGCAAGATGGAGTCAGGGAAAGGGAGCAG-3'
Protein context (NP_000079.2, residues 1268-1288): DWKSGEYWID[Pro1278Ser]NQGCNLDAIK